The following is an entry in ClinVar:

ClinVar aggregate classification (germline): Uncertain significance (1 of 4 stars; one submission).

Conditions:
Inborn genetic diseases. Identifiers: MedGen C0950123, MeSH D030342.

Submission:

Ambry Genetics
Classification: Uncertain significance for Inborn genetic diseases. Last evaluated: 2025-04-03. Review status: criteria provided, single submitter. Criteria: Ambry Variant Classification Scheme 2023. Collection method: clinical testing. Allele origin: germline.
Comment: The p.S339I variant (also known as c.1016G>T), located in coding exon 11 of the RTEL1 gene, results from a G to T substitution at nucleotide position 1016. The serine at codon 339 is replaced by isoleucine, an amino acid with dissimilar properties. This amino acid position is conserved. In addition, this alteration is predicted to be tolerated by in silico analysis. Based on the available evidence, the clinical significance of this variant remains unclear.

NM_001283009.2(RTEL1):c.1016G>T (p.Ser339Ile)

Genes: RTEL1 (regulator of telomere elongation helicase 1; plus strand), RTEL1-TNFRSF6B (RTEL1-TNFRSF6B readthrough (NMD candidate); plus strand). Cytogenetic location: 20q13.33.
Variant type: single nucleotide variant.
Coding change: c.1016G>T on transcript NM_001283009.2 (MANE Select); coding-DNA position 1016, G replaced by T.
Protein change: p.Ser339Ile; replaces serine 339 with isoleucine.
Molecular consequence: missense variant. On other transcripts: non-coding transcript variant (1).
Genome position (GRCh38, 1-based): chr20:63,678,325, G>T. VCF-style: chr20-63678325-G-T. GRCh37 (hg19) VCF-style: chr20-62309678-G-T.
Other names: c.347G>T, p.Ser116Ile (NM_001283010.1); c.1016G>T, p.Ser339Ile (NM_016434.4); c.1088G>T, p.Ser363Ile (NM_032957.5); short protein forms S116I, S339I, S363I.
Identifiers: ClinVar variation 3948288 (VCV003948288.1).